The following is an entry in ClinVar:

NM_001291867.2(NHS):c.2603C>G (p.Ser868Cys)

Gene: NHS (NHS actin remodeling regulator; plus strand). Cytogenetic location: Xp22.13.
Variant type: single nucleotide variant.
Coding change: c.2603C>G on transcript NM_001291867.2 (MANE Select); coding-DNA position 2603, C replaced by G.
Protein change: p.Ser868Cys; replaces serine 868 with cysteine.
Molecular consequence: missense variant.
Genome position (GRCh38, 1-based): chrX:17,726,709, C>G. VCF-style: chrX-17726709-C-G. GRCh37 (hg19) VCF-style: chrX-17744829-C-G.
Other names: NC_000023.10:g.17744829C>G; c.2072C>G, p.Ser691Cys (NM_001136024.4); c.2009C>G, p.Ser670Cys (NM_001291868.2); c.2264C>G, p.Ser755Cys (NM_001440780.1); c.2540C>G, p.Ser847Cys (NM_198270.4); c.2540C>G (NM_198270.2); short protein forms S868C, S691C, S755C, S847C, S670C.
Identifiers: ClinVar variation 4482286 (VCV004482286.2).
Genomic context (GRCh38, chrX:17,726,709, plus strand): 5'-AGCCGACCCCACCTAAACGTAGCTCATCATTGAGGAAGTCTGATGGAAACGCAGATATTT[C>G]TGAGAAGAAAGAACCAAAGATAAGCAGTGGTCAGCACCTGCCTCACAGTTCCAGGGAAAT-3'
Protein context (NP_001278796.1, residues 858-878): LRKSDGNADI[Ser868Cys]EKKEPKISSG

ClinVar aggregate classification (germline): Uncertain significance (1 of 4 stars; one submission).

Submissions (2):

GeneDx
Classification: Uncertain significance. Last evaluated: 2026-03-22. Review status: criteria provided, single submitter. Criteria: GeneDx Variant Classification Process June 2021. Collection method: clinical testing. Allele origin: germline.
Comment: Not observed at significant frequency in large population cohorts (gnomAD); In silico analysis suggests that this missense variant does not alter protein structure/function; Has not been previously published as pathogenic or benign to our knowledge

Dr. Peter K. Rogan Lab, Western University
No classification provided (evidence only). Condition: Nonpapillary renal cell carcinoma. Review status: no classification provided. Collection method: in vitro. Allele origin: not applicable. Functional consequence: retained intron. Not counted in ClinVar's aggregate classification.